The following is an entry in ClinVar:

ClinVar aggregate classification (germline): Likely pathogenic (0 of 4 stars; one submission).

Conditions:
Autosomal recessive nonsyndromic hearing loss 18B. Also called: Deafness, autosomal recessive 18b. Identifiers: Orphanet 90636, MedGen C3554163, MONDO:0013985, OMIM 614945.

Allele frequency attached by ClinVar (database versions not stated): gnomAD exomes below 0.00001.
gnomAD v4.1: 1 of 1,549,966 alleles (0.000065%); highest among the groups gnomAD compares: South Asian, 0.0012%; no homozygotes.

Submission:

Indian Institute of Integrative Medicine, Council of Scientific and Industrial Research
Classification: Likely pathogenic for Autosomal recessive nonsyndromic hearing loss 18B. Last evaluated: 2020-02-15. Review status: no assertion criteria provided. Collection method: research. Allele origin: germline. Inheritance: Autosomal recessive inheritance. Observed: 1 variant allele.
Comment: Carriers (Heterozygous) were found in this study.

In-silico validation using Mutation taster2, PolyPhen-2 and SIFT predict this variant to be disease causing. The variant is novel and not reported earlier in in ExAC, 1000G and genomAD databases.

Literature cited by the submitters: PMC 8185570.

NM_001292063.2(OTOG):c.5438T>G (p.Val1813Gly)

Gene: OTOG (otogelin; plus strand). Cytogenetic location: 11p15.1.
Variant type: single nucleotide variant.
Coding change: c.5438T>G on transcript NM_001292063.2 (MANE Select); coding-DNA position 5438, T replaced by G.
Protein change: p.Val1813Gly; replaces valine 1813 with glycine.
Molecular consequence: missense variant.
Genome position (GRCh38, 1-based): chr11:17,610,738, T>G. VCF-style: chr11-17610738-T-G. GRCh37 (hg19) VCF-style: chr11-17632285-T-G.
Other names: c.5474T>G, p.Val1825Gly (NM_001277269.2); short protein forms V1813G, V1825G.
Identifiers: ClinVar variation 987926 (VCV000987926.4), dbSNP rs1853512469, ClinGen allele CA379799639.
Genomic context (GRCh38, chr11:17,610,738, plus strand): 5'-CTCGTCCCTCCCAGCTCCTCTCTGGCCTGCCTCCCGACACCAGCCTGCCCCTGGCCAAGG[T>G]GGGCACATCTGCCCCAGTGGCCACACCCGGCCCCAAAGCCTCTGTCATCACCACTCCACT-3'
Protein context (NP_001278992.1, residues 1803-1823): PPDTSLPLAK[Val1813Gly]GTSAPVATPG